The following is an entry in ClinVar:

ClinVar aggregate classification (germline): Uncertain significance (1 of 4 stars; one submission).

gnomAD v4.1: 1 of 1,613,996 alleles (0.000062%); no homozygotes.

Submission:

Ambry Genetics
Classification: Uncertain significance. Last evaluated: 2025-01-31. Review status: criteria provided, single submitter. Criteria: Ambry Variant Classification Scheme 2023. Collection method: clinical testing. Allele origin: germline.
Comment: The p.N813D variant (also known as c.2437A>G), located in coding exon 1 of the TET2 gene, results from an A to G substitution at nucleotide position 2437. The asparagine at codon 813 is replaced by aspartic acid, an amino acid with highly similar properties. This amino acid position is conserved. In addition, this alteration is predicted to be tolerated by in silico analysis. Based on the available evidence, the clinical significance of this variant remains unclear.

NM_001127208.3(TET2):c.2437A>G (p.Asn813Asp)

Genes: TET2 (tet methylcytosine dioxygenase 2; plus strand), TET2-AS1 (TET2 antisense RNA 1; minus strand). Cytogenetic location: 4q24.
Variant type: single nucleotide variant.
Coding change: c.2437A>G on transcript NM_001127208.3 (MANE Select); coding-DNA position 2437, A replaced by G.
Protein change: p.Asn813Asp; replaces asparagine 813 with aspartic acid.
Molecular consequence: missense variant.
Genome position (GRCh38, 1-based): chr4:105,236,379, A>G. VCF-style: chr4-105236379-A-G. GRCh37 (hg19) VCF-style: chr4-106157536-A-G.
Other names: c.2437A>G, p.Asn813Asp (NM_017628.4); short protein forms N813D.
Identifiers: ClinVar variation 3806019 (VCV003806019.1).